The following is an entry in ClinVar:

NM_020693.4(DSCAML1):c.5900C>T (p.Ala1967Val)

Gene: DSCAML1 (DS cell adhesion molecule like 1; minus strand). Cytogenetic location: 11q23.3.
Variant type: single nucleotide variant.
Coding change: c.5900C>T on transcript NM_020693.4 (MANE Select); coding-DNA position 5900, C replaced by T.
Protein change: p.Ala1967Val; replaces alanine 1967 with valine.
Molecular consequence: missense variant.
Genome position (GRCh38, 1-based): chr11:117,428,590, G>A on the plus strand (C>T on the coding strand, the complement: DSCAML1 is on the minus strand). VCF-style: chr11-117428590-G-A. GRCh37 (hg19) VCF-style: chr11-117299306-G-A.
Other names: short protein forms A1967V.
Identifiers: ClinVar variation 2025298 (VCV002025298.4), dbSNP rs954870089, ClinGen allele CA382751186.

ClinVar aggregate classification (germline): Uncertain significance (1 of 4 stars; one submission).

Submission:

Labcorp Genetics (formerly Invitae), Labcorp
Classification: Uncertain significance. Last evaluated: 2023-05-15. Review status: criteria provided, single submitter. Criteria: Invitae Variant Classification Sherloc (09022015). Collection method: clinical testing. Allele origin: germline.
Comment: In summary, the available evidence is currently insufficient to determine the role of this variant in disease. Therefore, it has been classified as a Variant of Uncertain Significance. An algorithm developed to predict the effect of missense changes on protein structure and function (PolyPhen-2) suggests that this variant is likely to be tolerated. ClinVar contains an entry for this variant (Variation ID: 2025298). This variant has not been reported in the literature in individuals affected with DSCAML1-related conditions. This variant is not present in population databases (gnomAD no frequency). This sequence change replaces alanine, which is neutral and non-polar, with valine, which is neutral and non-polar, at codon 2027 of the DSCAML1 protein (p.Ala2027Val).